The following is an entry in ClinVar:

NM_000135.4(FANCA):c.2284C>T (p.Leu762Phe)

Gene: FANCA (FA complementation group A; minus strand). Cytogenetic location: 16q24.3.
Variant type: single nucleotide variant.
Coding change: c.2284C>T on transcript NM_000135.4 (MANE Select); coding-DNA position 2284, C replaced by T.
Protein change: p.Leu762Phe; replaces leucine 762 with phenylalanine.
Molecular consequence: missense variant.
Genome position (GRCh38, 1-based): chr16:89,770,198, G>A on the plus strand (C>T on the coding strand, the complement: FANCA is on the minus strand). VCF-style: chr16-89770198-G-A. GRCh37 (hg19) VCF-style: chr16-89836606-G-A.
Other names: c.2284C>T, p.Leu762Phe (NM_001286167.3); short protein forms L762F.
Identifiers: ClinVar variation 2047345 (VCV002047345.2), dbSNP rs1387374844, ClinGen allele CA397445140.

ClinVar aggregate classification (germline): Uncertain significance. Review status: criteria provided, multiple submitters, no conflicts (2 of 4 stars). 2 submissions from 2 submitters: Uncertain significance (2). Last evaluated 2025-05-03.

Conditions:
Inborn genetic diseases. Identifiers: MedGen C0950123, MeSH D030342.
Fanconi anemia (FA). Also called: Fanconi's anemia. Identifiers: Orphanet 84, MedGen C0015625, MeSH D005199, MONDO:0019391.

gnomAD v4.1: 2 of 1,594,008 alleles (0.00013%); highest among the groups gnomAD compares: Non-Finnish European, 0.00017%; no homozygotes.

Submissions (2):

Ambry Genetics
Classification: Uncertain significance for Inborn genetic diseases. Last evaluated: 2025-05-03. Review status: criteria provided, single submitter. Criteria: Ambry Variant Classification Scheme 2023. Collection method: clinical testing. Allele origin: germline.
Comment: The p.L762F variant (also known as c.2284C>T), located in coding exon 25 of the FANCA gene, results from a C to T substitution at nucleotide position 2284. The leucine at codon 762 is replaced by phenylalanine, an amino acid with highly similar properties. This amino acid position is conserved. In addition, the in silico prediction for this alteration is inconclusive. Based on the available evidence, the clinical significance of this variant remains unclear.

Labcorp Genetics (formerly Invitae), Labcorp
Classification: Uncertain significance for Fanconi anemia. Last evaluated: 2022-10-06. Review status: criteria provided, single submitter. Criteria: Invitae Variant Classification Sherloc (09022015). Collection method: clinical testing. Allele origin: germline.
Comment: This sequence change replaces leucine, which is neutral and non-polar, with phenylalanine, which is neutral and non-polar, at codon 762 of the FANCA protein (p.Leu762Phe). The frequency data for this variant in the population databases is considered unreliable, as metrics indicate poor data quality at this position in the gnomAD database. This variant has not been reported in the literature in individuals affected with FANCA-related conditions. Advanced modeling of protein sequence and biophysical properties (such as structural, functional, and spatial information, amino acid conservation, physicochemical variation, residue mobility, and thermodynamic stability) performed at Invitae indicates that this missense variant is expected to disrupt FANCA protein function. In summary, the available evidence is currently insufficient to determine the role of this variant in disease. Therefore, it has been classified as a Variant of Uncertain Significance.